The following is an entry in ClinVar:

NM_138694.4(PKHD1):c.210C>T (p.Pro70=)

Gene: PKHD1 (PKHD1 ciliary IPT domain containing fibrocystin/polyductin; minus strand). Cytogenetic location: 6p12.2.
Variant type: single nucleotide variant.
Coding change: c.210C>T on transcript NM_138694.4 (MANE Select); coding-DNA position 210, C replaced by T.
Protein change: p.Pro70=; no amino-acid change (proline 70 retained).
Molecular consequence: synonymous variant.
Genome position (GRCh38, 1-based): chr6:52,082,463, G>A on the plus strand (C>T on the coding strand, the complement: PKHD1 is on the minus strand). VCF-style: chr6-52082463-G-A. GRCh37 (hg19) VCF-style: chr6-51947261-G-A.
Other names: c.210C>T, p.Pro70= (NM_170724.3).
Identifiers: ClinVar variation 699457 (VCV000699457.15), dbSNP rs372103359, ClinGen allele CA3853995.

ClinVar aggregate classification (germline): Likely benign. Review status: criteria provided, multiple submitters, no conflicts (2 of 4 stars). 4 submissions from 4 submitters: Likely benign (2). 2 of the submissions do not count toward it. Last evaluated 2025-07-28.

Conditions:
Polycystic kidney disease 4 (PKD4). Also called: PKD3; POLYCYSTIC KIDNEY AND HEPATIC DISEASE 1; POLYCYSTIC KIDNEY DISEASE, INFANTILE, TYPE I; POLYCYSTIC KIDNEY DISEASE 4 WITH OR WITHOUT POLYCYSTIC LIVER DISEASE; Autosomal Recessive Polycystic Kidney Disease – PKHD1. Identifiers: MedGen C4540575, MONDO:0033004, OMIM 263200.
PKHD1-related disorder. Also called: PKHD1-related condition.
Autosomal recessive polycystic kidney disease (ARPKD). Also called: AR polycystic kidney disease. Identifiers: Orphanet 731, Orphanet 8378, MedGen C0085548, MeSH D017044, MONDO:0009889.

Allele frequency attached by ClinVar (database versions not stated): gnomAD 0.00001; ExAC 0.00002; TOPMed 0.00002; gnomAD exomes 0.00003 and 0.00004; ESP Exome Variant Server 0.00008.
gnomAD v4.1: 64 of 1,613,874 alleles (0.004%); highest among the groups gnomAD compares: Admixed American, 0.0083%; no homozygotes.

Submissions (4):

Labcorp Genetics (formerly Invitae), Labcorp
Classification: Likely benign for Autosomal recessive polycystic kidney disease. Last evaluated: 2025-07-28. Review status: criteria provided, single submitter. Criteria: Invitae Variant Classification Sherloc (09022015). Collection method: clinical testing. Allele origin: germline.

Fulgent Genetics
Classification: Likely benign for Polycystic kidney disease 4. Last evaluated: 2021-10-15. Review status: criteria provided, single submitter. Criteria: ACMG Guidelines, 2015. Collection method: clinical testing. Allele origin: unknown.

PreventionGenetics, part of Exact Sciences
Classification: Likely benign for PKHD1-related condition. Last evaluated: 2022-10-04. Review status: no assertion criteria provided. Collection method: clinical testing. Allele origin: germline. Not counted in ClinVar's aggregate classification.
Comment: This variant is classified as likely benign based on ACMG/AMP sequence variant interpretation guidelines (Richards et al. 2015 PMID: 25741868, with internal and published modifications).

Natera, Inc.
Classification: Likely benign for Autosomal recessive polycystic kidney disease. Last evaluated: 2020-05-01. Review status: no assertion criteria provided. Collection method: clinical testing. Allele origin: germline. Not counted in ClinVar's aggregate classification.